The following is an entry in ClinVar:

NM_024884.3(L2HGDH):c.1353A>G (p.Gly451=)

Gene: L2HGDH (L-2-hydroxyglutarate dehydrogenase; minus strand). Cytogenetic location: 14q21.3.
Variant type: single nucleotide variant.
Coding change: c.1353A>G on transcript NM_024884.3 (MANE Select); coding-DNA position 1353, A replaced by G.
Protein change: p.Gly451=; no amino-acid change (glycine 451 retained).
Molecular consequence: synonymous variant.
Genome position (GRCh38, 1-based): chr14:50,247,097, T>C on the plus strand (A>G on the coding strand, the complement: L2HGDH is on the minus strand). VCF-style: chr14-50247097-T-C. GRCh37 (hg19) VCF-style: chr14-50713815-T-C.
Other names: p.Gly451=.
Identifiers: ClinVar variation 791743 (VCV000791743.13), dbSNP rs192927318, ClinGen allele CA7177741.

ClinVar aggregate classification (germline): Benign/Likely benign. Review status: criteria provided, multiple submitters, no conflicts (2 of 4 stars). 3 submissions from 3 submitters: Benign (2); Likely benign (1). Last evaluated 2026-02-02.

Conditions:
L-2-hydroxyglutaric aciduria (L2HGA). Identifiers: Orphanet 79314, MedGen C1855995, MONDO:0009370, OMIM 236792, HP:0040144.

Allele frequency attached by ClinVar (database versions not stated): gnomAD 0.00007 and 0.00008; 1000 Genomes Project 30x 0.00016; 1000 Genomes Project 0.00020; TOPMed 0.00022; gnomAD exomes 0.00024 and 0.00052; ExAC 0.00039.
gnomAD v4.1: 157 of 1,613,976 alleles (0.0097%); highest among the groups gnomAD compares: Admixed American, 0.25%; no homozygotes.

Submissions (3):

Labcorp Genetics (formerly Invitae), Labcorp
Classification: Benign for L-2-hydroxyglutaric aciduria. Last evaluated: 2026-02-02. Review status: criteria provided, single submitter. Criteria: Invitae Variant Classification Sherloc (09022015). Collection method: clinical testing. Allele origin: germline.

Mayo Clinic Laboratories, Mayo Clinic
Classification: Likely benign. Last evaluated: 2025-10-17. Review status: criteria provided, single submitter. Criteria: ACMG Guidelines, 2015. Collection method: clinical testing. Allele origin: germline. Observed: 1 variant allele.
Comment: BS1, BP4, BP7

Athena Diagnostics
Classification: Benign. Last evaluated: 2024-09-25. Review status: criteria provided, single submitter. Criteria: Athena Diagnostics Criteria. Collection method: clinical testing. Allele origin: unknown.